The following is an entry in ClinVar:

ClinVar aggregate classification (germline): Uncertain significance (1 of 4 stars; one submission).

Conditions:
Tay-Sachs disease (TSD). Also called: HEXA DEFICIENCY; GM2 gangliosidosis, type 1; Hexosaminidase alpha-subunit deficiency (variant B); Sphingolipidosis, Tay-Sachs; Hexosaminidase A Deficiency; HEXA Disorders. Identifiers: Orphanet 845, MedGen C0039373, MONDO:0010100, OMIM 272800.

Allele frequency attached by ClinVar (database versions not stated): gnomAD exomes below 0.00001.
gnomAD v4.1: 1 of 1,613,920 alleles (0.000062%); highest among the groups gnomAD compares: Admixed American, 0.0017%; no homozygotes.

Submission:

Labcorp Genetics (formerly Invitae), Labcorp
Classification: Uncertain significance for Tay-Sachs disease. Last evaluated: 2022-07-05. Review status: criteria provided, single submitter. Criteria: Invitae Variant Classification Sherloc (09022015). Collection method: clinical testing. Allele origin: germline.
Comment: ClinVar contains an entry for this variant (Variation ID: 1478426). This variant has not been reported in the literature in individuals affected with HEXA-related conditions. This variant is not present in population databases (gnomAD no frequency). This sequence change replaces glutamic acid, which is acidic and polar, with alanine, which is neutral and non-polar, at codon 456 of the HEXA protein (p.Glu456Ala). Algorithms developed to predict the effect of missense changes on protein structure and function are either unavailable or do not agree on the potential impact of this missense change (SIFT: "Tolerated"; PolyPhen-2: "Probably Damaging"; Align-GVGD: "Class C0"). In summary, the available evidence is currently insufficient to determine the role of this variant in disease. Therefore, it has been classified as a Variant of Uncertain Significance.

NM_000520.6(HEXA):c.1367A>C (p.Glu456Ala)

Gene: HEXA (hexosaminidase subunit alpha; minus strand). Cytogenetic location: 15q23.
Variant type: single nucleotide variant.
Coding change: c.1367A>C on transcript NM_000520.6 (MANE Select); coding-DNA position 1367, A replaced by C.
Protein change: p.Glu456Ala; replaces glutamic acid 456 with alanine.
Molecular consequence: missense variant. On other transcripts: non-coding transcript variant (1).
Genome position (GRCh38, 1-based): chr15:72,346,289, T>G on the plus strand (A>C on the coding strand, the complement: HEXA is on the minus strand). VCF-style: chr15-72346289-T-G. GRCh37 (hg19) VCF-style: chr15-72638630-T-G.
Other names: c.1400A>C, p.Glu467Ala (NM_001318825.2); short protein forms E467A, E456A.
Identifiers: ClinVar variation 1478426 (VCV001478426.6), dbSNP rs1567295650, ClinGen allele CA393059268.